The following is an entry in ClinVar:

NM_018063.5(HELLS):c.1577A>C (p.Asn526Thr)

Gene: HELLS (helicase, lymphoid specific; plus strand). Cytogenetic location: 10q23.33.
Variant type: single nucleotide variant.
Coding change: c.1577A>C on transcript NM_018063.5 (MANE Select); coding-DNA position 1577, A replaced by C.
Protein change: p.Asn526Thr; replaces asparagine 526 with threonine.
Molecular consequence: missense variant.
Genome position (GRCh38, 1-based): chr10:94,590,501, A>C. VCF-style: chr10-94590501-A-C. GRCh37 (hg19) VCF-style: chr10-96350258-A-C.
Other names: c.1715A>C, p.Asn572Thr (NM_001289067.2); c.1529A>C, p.Asn510Thr (NM_001289068.2); c.1481A>C, p.Asn494Thr (NM_001289069.2); c.1283A>C, p.Asn428Thr (NM_001289070.2); c.1205A>C, p.Asn402Thr (NM_001289071.2); c.1187A>C, p.Asn396Thr (NM_001289072.2); c.1163A>C, p.Asn388Thr (NM_001289073.2); c.494A>C, p.Asn165Thr (NM_001289074.2); and 1 more; short protein forms N165T, N494T, N572T, N510T, N526T, N388T, N428T, N120T.
Identifiers: ClinVar variation 1425941 (VCV001425941.6), dbSNP rs2134107358, ClinGen allele CA377665785.

ClinVar aggregate classification (germline): Uncertain significance (1 of 4 stars; one submission).

Submission:

Labcorp Genetics (formerly Invitae), Labcorp
Classification: Uncertain significance. Last evaluated: 2025-07-14. Review status: criteria provided, single submitter. Criteria: Invitae Variant Classification Sherloc (09022015). Collection method: clinical testing. Allele origin: germline.
Comment: This sequence change replaces asparagine, which is neutral and polar, with threonine, which is neutral and polar, at codon 526 of the HELLS protein (p.Asn526Thr). This variant is not present in population databases (gnomAD no frequency). This variant has not been reported in the literature in individuals affected with HELLS-related conditions. ClinVar contains an entry for this variant (Variation ID: 1425941). An algorithm developed to predict the effect of missense changes on protein structure and function (PolyPhen-2) suggests that this variant is likely to be tolerated. In summary, the available evidence is currently insufficient to determine the role of this variant in disease. Therefore, it has been classified as a Variant of Uncertain Significance.